The following is an entry in ClinVar:

NM_007194.4(CHEK2):c.847-8C>T

Gene: CHEK2 (checkpoint kinase 2; minus strand). Cytogenetic location: 22q12.1.
Variant type: single nucleotide variant.
Coding change: c.847-8C>T on transcript NM_007194.4 (MANE Select); 8 bases into the intron before coding-DNA position 847, C replaced by T.
Molecular consequence: intron variant.
Genome position (GRCh38, 1-based): chr22:28,703,574, G>A on the plus strand (C>T on the coding strand, the complement: CHEK2 is on the minus strand). VCF-style: chr22-28703574-G-A. GRCh37 (hg19) VCF-style: chr22-29099562-G-A.
Other names: c.184-8C>T (NM_001437942.1, NM_001257387.3); c.646-8C>T (NM_001349956.3); c.847-8C>T (NM_145862.3); c.940-8C>T (NM_001438295.1, NM_001438293.1); c.976-8C>T (NM_001438294.1, NM_001005735.3).
Identifiers: ClinVar variation 1101300 (VCV001101300.12), dbSNP rs2145879286, ClinGen allele CA638799649.

ClinVar aggregate classification (germline): Conflicting classifications of pathogenicity. Review status: criteria provided, conflicting classifications (1 of 4 stars). 3 submissions from 3 submitters: Uncertain significance (1); Likely benign (2). Last evaluated 2024-10-03.

Conditions:
Familial cancer of breast. Also called: BREAST CANCER, FAMILIAL; Hereditary breast cancer; hereditary breast carcinoma. Identifiers: Orphanet 227535, MedGen C0346153, MONDO:0016419, OMIM 114480. Disease mechanism: loss of function.

Submissions (3):

Myriad Genetics, Inc.
Classification: Likely benign for Familial cancer of breast. Last evaluated: 2024-10-03. Review status: criteria provided, single submitter. Criteria: Myriad Autosomal Dominant, Autosomal Recessive and X-Linked Classification Criteria (2023). Collection method: clinical testing. Allele origin: unknown.
Comment: This variant is considered likely benign. This variant is intronic and is not expected to impact mRNA splicing.

Quest Diagnostics Nichols Institute San Juan Capistrano
Classification: Uncertain significance. Last evaluated: 2023-09-28. Review status: criteria provided, single submitter. Criteria: Quest Diagnostics criteria. Collection method: clinical testing. Allele origin: unknown.

Labcorp Genetics (formerly Invitae), Labcorp
Classification: Likely benign for Familial cancer of breast. Last evaluated: 2020-12-10. Review status: criteria provided, single submitter. Criteria: Invitae Variant Classification Sherloc (09022015). Collection method: clinical testing. Allele origin: germline.